The following is an entry in ClinVar:

ClinVar aggregate classification (germline): Uncertain significance (1 of 4 stars; one submission).

Conditions:
Retinitis pigmentosa 25 (RP25). Identifiers: Orphanet 791, MedGen C1864446, MONDO:0011272, OMIM 602772.

gnomAD v4.1: 2 of 1,545,768 alleles (0.00013%); highest among the groups gnomAD compares: East Asian, 0.0049%; no homozygotes.

Submission:

Myriad Genetics, Inc.
Classification: Uncertain significance for Retinitis pigmentosa 25. Last evaluated: 2026-07-13. Review status: criteria provided, single submitter. Criteria: Myriad Autosomal Dominant, Autosomal Recessive and X-Linked Classification Criteria (2023). Collection method: clinical testing. Allele origin: unknown.
Comment: NM_001142800.1(EYS):c.6844G>A(E2282K) is a missense variant classified as a variant of uncertain significance in the context of retinitis pigmentosa, EYS-related. E2282K has been observed in a case with relevant disease (PMID: 31814702). Relevant functional assessments of this variant are not available in the literature. E2282K has been observed in referenced population frequency databases. In summary, there is insufficient evidence to classify NM_001142800.1(EYS):c.6844G>A(E2282K) as pathogenic or benign. Please note: this variant was assessed in the context of healthy population screening.

Literature cited by the submitters: PubMed 31814702.

NM_001142800.2(EYS):c.6844G>A (p.Glu2282Lys)

Gene: EYS (EGF-like photoreceptor maintenance factor; minus strand). Cytogenetic location: 6q12.
Variant type: single nucleotide variant.
Coding change: c.6844G>A on transcript NM_001142800.2 (MANE Select); coding-DNA position 6844, G replaced by A.
Protein change: p.Glu2282Lys; replaces glutamic acid 2282 with lysine.
Molecular consequence: missense variant.
Genome position (GRCh38, 1-based): chr6:63,984,594, C>T on the plus strand (G>A on the coding strand, the complement: EYS is on the minus strand). VCF-style: chr6-63984594-C-T. GRCh37 (hg19) VCF-style: chr6-64694487-C-T.
Other names: c.6844G>A, p.Glu2282Lys (NM_001292009.2); short protein forms E2282K.
Identifiers: ClinVar variation 5003287 (VCV005003287.1).